The following is an entry in ClinVar:

ClinVar aggregate classification (germline): Uncertain significance (1 of 4 stars; one submission).

Submission:

GeneDx
Classification: Uncertain significance. Last evaluated: 2025-01-21. Review status: criteria provided, single submitter. Criteria: GeneDx Variant Classification Process June 2021. Collection method: clinical testing. Allele origin: germline. Affected: yes.
Comment: Not observed at significant frequency in large population cohorts (gnomAD); Has not been previously published as pathogenic or benign to our knowledge; In-frame duplication of 1 amino acid with an unclear effect on protein function

NM_000165.5(GJA1):c.1131TGA[3] (p.Asp379_Leu380insAsp)

Gene: GJA1 (gap junction protein alpha 1; plus strand). Cytogenetic location: 6q22.31.
Variant type: Microsatellite.
Coding change: c.1131TGA[3] on transcript NM_000165.5 (MANE Select); three copies in a row of the 3-base unit TGA starting at c.1131; the reference has two copies in a row; one copy, 3 bases duplicated.
Protein change: p.Asp379_Leu380insAsp.
Genome position (GRCh38, 1-based): chr6:121,447,981-121,447,983, TGA duplicated; duplicating any 3 consecutive bases within chr6:121,447,978-121,447,983 gives the same sequence; the position shown is the placement nearest the transcript's 3' end. VCF-style (leftmost placement, unchanged base first): chr6-121447977-C-CTGA. GRCh37 (hg19) VCF-style: chr6-121769123-C-CTGA.
Identifiers: ClinVar variation 4070816 (VCV004070816.1).